The following is an entry in ClinVar:

NM_001201543.2(FAM161A):c.1681A>C (p.Thr561Pro)

Gene: FAM161A (FAM161 centrosomal protein A; minus strand). Cytogenetic location: 2p15.
Variant type: single nucleotide variant.
Coding change: c.1681A>C on transcript NM_001201543.2 (MANE Select); coding-DNA position 1681, A replaced by C.
Protein change: p.Thr561Pro; replaces threonine 561 with proline.
Molecular consequence: missense variant. On other transcripts: intron variant (1).
Genome position (GRCh38, 1-based): chr2:61,838,608, T>G on the plus strand (A>C on the coding strand, the complement: FAM161A is on the minus strand). VCF-style: chr2-61838608-T-G. GRCh37 (hg19) VCF-style: chr2-62065743-T-G.
Other names: c.1583+813A>C (NM_032180.3); short protein forms T561P.
Identifiers: ClinVar variation 1944262 (VCV001944262.5), dbSNP rs986035118, ClinGen allele CA48476606.
Genomic context (GRCh38, chr2:61,838,608, plus strand): 5'-TTACTCTGGATTTAGATATTTGAGCTAAACTTTGATGTGAGTCATAAGCCTTAGCCCGGG[T>G]TGTCAGGAGTTTCTGCAATTCTTTCATTCTTTGCTTCTGTTTAGTTAGGATCCGATTTCT-3'
Protein context (NP_001188472.1, residues 551-571): RMKELQKLLT[Thr561Pro]RAKAYDSHQS

ClinVar aggregate classification (germline): Uncertain significance (1 of 4 stars; one submission).

Submission:

Labcorp Genetics (formerly Invitae), Labcorp
Classification: Uncertain significance. Last evaluated: 2022-04-11. Review status: criteria provided, single submitter. Criteria: Invitae Variant Classification Sherloc (09022015). Collection method: clinical testing. Allele origin: germline.
Comment: Algorithms developed to predict the effect of missense changes on protein structure and function are either unavailable or do not agree on the potential impact of this missense change (SIFT: "Deleterious"; PolyPhen-2: "Probably Damaging"; Align-GVGD: "Class C0"). In summary, the available evidence is currently insufficient to determine the role of this variant in disease. Therefore, it has been classified as a Variant of Uncertain Significance. This variant has not been reported in the literature in individuals affected with FAM161A-related conditions. This variant is not present in population databases (gnomAD no frequency). This sequence change replaces threonine, which is neutral and polar, with proline, which is neutral and non-polar, at codon 561 of the FAM161A protein (p.Thr561Pro).